The following is an entry in ClinVar:

ClinVar aggregate classification (germline): Uncertain significance (1 of 4 stars; one submission).

Conditions:
Familial thoracic aortic aneurysm and aortic dissection (TAAD). Also called: Thoracic aortic aneurysms and dissections. Identifiers: Orphanet 91387, MedGen C4707243, MONDO:0019625.

Allele frequency attached by ClinVar (database versions not stated): gnomAD exomes below 0.00001.

Submission:

Ambry Genetics
Classification: Uncertain significance for Familial thoracic aortic aneurysm and aortic dissection. Last evaluated: 2023-12-12. Review status: criteria provided, single submitter. Criteria: Ambry Variant Classification Scheme 2023. Collection method: clinical testing. Allele origin: germline.
Comment: The p.T1362I variant (also known as c.4085C>T), located in coding exon 25 of the NOTCH1 gene, results from a C to T substitution at nucleotide position 4085. The threonine at codon 1362 is replaced by isoleucine, an amino acid with similar properties. This amino acid position is conserved. In addition, the in silico prediction for this alteration is inconclusive. Since supporting evidence is limited at this time, the clinical significance of this alteration remains unclear.

NM_017617.5(NOTCH1):c.4085C>T (p.Thr1362Ile)

Gene: NOTCH1 (notch receptor 1; minus strand). Cytogenetic location: 9q34.3.
Variant type: single nucleotide variant.
Coding change: c.4085C>T on transcript NM_017617.5 (MANE Select); coding-DNA position 4085, C replaced by T.
Protein change: p.Thr1362Ile; replaces threonine 1362 with isoleucine.
Molecular consequence: missense variant.
Genome position (GRCh38, 1-based): chr9:136,505,811, G>A on the plus strand (C>T on the coding strand, the complement: NOTCH1 is on the minus strand). VCF-style: chr9-136505811-G-A. GRCh37 (hg19) VCF-style: chr9-139400263-G-A.
Other names: short protein forms T1362I.
Identifiers: ClinVar variation 3226963 (VCV003226963.1), dbSNP rs1429266916, ClinGen allele CA375649850.
Genomic context (GRCh38, chr9:136,505,811, plus strand): 5'-TCGGGGCCCGTGAAGGGGCCCAGGCACAGGCAGGTGGGGCTGCGCGGGCCGGAGATGCAT[G>A]TGCCGCCGTTGAGGCAGCGCAGGCTGCCGCAGGTACGAGCGTCATTCTCACACGTGGCGC-3'
Protein context (NP_060087.3, residues 1352-1372): CGSLRCLNGG[Thr1362Ile]CISGPRSPTC